The following is an entry in ClinVar:

NM_001111125.3(IQSEC2):c.2429G>T (p.Arg810Leu)

Gene: IQSEC2 (IQ motif and Sec7 domain ArfGEF 2; minus strand). Cytogenetic location: Xp11.22.
Variant type: single nucleotide variant.
Coding change: c.2429G>T on transcript NM_001111125.3 (MANE Select); coding-DNA position 2429, G replaced by T.
Protein change: p.Arg810Leu; replaces arginine 810 with leucine.
Molecular consequence: missense variant.
Genome position (GRCh38, 1-based): chrX:53,248,751, C>A on the plus strand (G>T on the coding strand, the complement: IQSEC2 is on the minus strand). VCF-style: chrX-53248751-C-A. GRCh37 (hg19) VCF-style: chrX-53277933-C-A.
Other names: c.1814G>T, p.Arg605Leu (NM_015075.2); c.2429G>T, p.Arg810Leu (NM_001410736.1); short protein forms R605L, R810L.
Identifiers: ClinVar variation 3634902 (VCV003634902.2).

ClinVar aggregate classification (germline): Uncertain significance (1 of 4 stars; one submission).

Conditions:
Intellectual developmental disorder, X-linked 1. Also called: Atkin Flaitz Patil Smith syndrome; MENTAL RETARDATION, X-LINKED 18; MENTAL RETARDATION, X-LINKED 78; Intellectual disability, X-linked 1. Identifiers: Orphanet 777, MedGen C2931498, MONDO:0010656, OMIM 309530.

Submission:

Labcorp Genetics (formerly Invitae), Labcorp
Classification: Uncertain significance for Intellectual developmental disorder, X-linked 1. Last evaluated: 2024-07-31. Review status: criteria provided, single submitter. Criteria: Invitae Variant Classification Sherloc (09022015). Collection method: clinical testing. Allele origin: germline.
Comment: This sequence change replaces arginine, which is basic and polar, with leucine, which is neutral and non-polar, at codon 810 of the IQSEC2 protein (p.Arg810Leu). This variant is not present in population databases (gnomAD no frequency). This variant has not been reported in the literature in individuals affected with IQSEC2-related conditions. Advanced modeling of protein sequence and biophysical properties (such as structural, functional, and spatial information, amino acid conservation, physicochemical variation, residue mobility, and thermodynamic stability) performed at Invitae indicates that this missense variant is not expected to disrupt IQSEC2 protein function with a negative predictive value of 95%. In summary, the available evidence is currently insufficient to determine the role of this variant in disease. Therefore, it has been classified as a Variant of Uncertain Significance.